The following is an entry in ClinVar:

NM_080605.4(B3GALT6):c.38C>G (p.Ala13Gly)

Gene: B3GALT6 (beta-1,3-galactosyltransferase 6; plus strand). Cytogenetic location: 1p36.33.
Variant type: single nucleotide variant.
Coding change: c.38C>G on transcript NM_080605.4 (MANE Select); coding-DNA position 38, C replaced by G.
Protein change: p.Ala13Gly; replaces alanine 13 with glycine.
Molecular consequence: missense variant.
Genome position (GRCh38, 1-based): chr1:1,232,316, C>G. VCF-style: chr1-1232316-C-G. GRCh37 (hg19) VCF-style: chr1-1167696-C-G.
Other names: short protein forms A13G.
Identifiers: ClinVar variation 2087283 (VCV002087283.1), dbSNP rs1429790718, ClinGen allele CA337821992.

ClinVar aggregate classification (germline): Uncertain significance (1 of 4 stars; one submission).

Conditions:
Ehlers-Danlos syndrome, spondylodysplastic type, 2 (EDSSPD2). Also called: Ehlers-Danlos syndrome, progeroid type, 2. Identifiers: Orphanet 536467, Orphanet 75496, MedGen C3809210, MONDO:0014139, OMIM 615349.
Spondyloepimetaphyseal dysplasia with joint laxity (SEMDJL). Identifiers: MedGen C0432243, MONDO:0019675.

Allele frequency attached by ClinVar (database versions not stated): gnomAD exomes below 0.00001.
gnomAD v4.1: 4 of 980,436 alleles (0.00041%); highest among the groups gnomAD compares: Non-Finnish European, 0.00036%; no homozygotes.

Submission:

Labcorp Genetics (formerly Invitae), Labcorp
Classification: Uncertain significance for Ehlers-Danlos syndrome, spondylodysplastic type, 2; Spondyloepimetaphyseal dysplasia with joint laxity. Last evaluated: 2022-01-17. Review status: criteria provided, single submitter. Criteria: Invitae Variant Classification Sherloc (09022015). Collection method: clinical testing. Allele origin: germline.
Comment: This sequence change replaces alanine, which is neutral and non-polar, with glycine, which is neutral and non-polar, at codon 13 of the B3GALT6 protein (p.Ala13Gly). The frequency data for this variant in the population databases is considered unreliable, as metrics indicate insufficient coverage at this position in the gnomAD database. This variant has not been reported in the literature in individuals affected with B3GALT6-related conditions. Algorithms developed to predict the effect of missense changes on protein structure and function are either unavailable or do not agree on the potential impact of this missense change (SIFT: "Deleterious"; PolyPhen-2: "Benign"; Align-GVGD: "Class C0"). In summary, the available evidence is currently insufficient to determine the role of this variant in disease. Therefore, it has been classified as a Variant of Uncertain Significance.